The following is an entry in ClinVar:

NM_000525.4(KCNJ11):c.741C>T (p.Asn247=)

Gene: KCNJ11 (potassium inwardly rectifying channel subfamily J member 11; minus strand). Cytogenetic location: 11p15.1.
Variant type: single nucleotide variant.
Coding change: c.741C>T on transcript NM_000525.4 (MANE Select); coding-DNA position 741, C replaced by T.
Protein change: p.Asn247=; no amino-acid change (asparagine 247 retained).
Molecular consequence: synonymous variant.
Genome position (GRCh38, 1-based): chr11:17,387,351, G>A on the plus strand (C>T on the coding strand, the complement: KCNJ11 is on the minus strand). VCF-style: chr11-17387351-G-A. GRCh37 (hg19) VCF-style: chr11-17408898-G-A.
Other names: c.480C>T, p.Asn160= (NM_001166290.2, NM_001377296.1, NM_001377297.1).
Identifiers: ClinVar variation 303736 (VCV000303736.15), dbSNP rs886048042, ClinGen allele CA10630458.

ClinVar aggregate classification (germline): Conflicting classifications of pathogenicity. Review status: criteria provided, conflicting classifications (1 of 4 stars). 5 submissions from 3 submitters: Uncertain significance (4); Likely benign (1). Last evaluated 2023-05-22.

Conditions:
Maturity-onset diabetes of the young type 13. Also called: MODY, TYPE 13. Identifiers: Orphanet 552, MedGen C4225365, MONDO:0014589, OMIM 616329.
Maturity-onset diabetes of the young (MODY). Also called: Maturity onset diabetes mellitus in young. Identifiers: Orphanet 552, MedGen C0342276, MONDO:0018911, HP:0004904.
Diabetes mellitus, transient neonatal, 3 (TNDM3). Identifiers: Orphanet 99886, MedGen C1864623, MONDO:0012522, OMIM 610582. Disease mechanism: loss of function.
Hyperinsulinemic hypoglycemia, familial, 2. Also called: HYPERINSULINEMIC HYPOGLYCEMIA, PERSISTENT; HYPERINSULINISM, NEONATAL. Identifiers: Orphanet 276580, Orphanet 276603, MedGen C2931833, MONDO:0011153, OMIM 601820. Disease mechanism: loss of function.

Allele frequency attached by ClinVar (database versions not stated): gnomAD exomes below 0.00001; TOPMed below 0.00001.

Submissions (5):

Labcorp Genetics (formerly Invitae), Labcorp
Classification: Likely benign. Last evaluated: 2023-05-22. Review status: criteria provided, single submitter. Criteria: Invitae Variant Classification Sherloc (09022015). Collection method: clinical testing. Allele origin: germline.

Illumina Laboratory Services, Illumina
Classification: Uncertain significance for Hyperinsulinemic hypoglycemia, familial, 2. Last evaluated: 2018-01-13. Review status: criteria provided, single submitter. Criteria: ICSL Variant Classification Criteria 13 December 2019. Collection method: clinical testing. Allele origin: germline.

Illumina Laboratory Services, Illumina
Classification: Uncertain significance for Diabetes mellitus, transient neonatal, 3. Last evaluated: 2018-01-13. Review status: criteria provided, single submitter. Criteria: ICSL Variant Classification Criteria 13 December 2019. Collection method: clinical testing. Allele origin: germline.

Illumina Laboratory Services, Illumina
Classification: Uncertain significance for Maturity-onset diabetes of the young type 13. Last evaluated: 2018-01-13. Review status: criteria provided, single submitter. Criteria: ICSL Variant Classification Criteria 13 December 2019. Collection method: clinical testing. Allele origin: germline.

Clinical Genomics, Uppaluri K&H Personalized Medicine Clinic
Classification: Uncertain significance for Maturity-onset diabetes of the young. Review status: criteria provided, single submitter. Criteria: K&H Uppaluri Personalized Medicine Clinic Variant Classification & Assertion Criteria. Collection method: research. Allele origin: somatic. Inheritance: Autosomal dominant inheritance.
Comment: Mutations in KCNJ11 gene can cause decreased production and secretion of insulin. This can lead to MODY which may be responsive to oral sulfonylureas. It is also associated with Neonatal Diabetes. However, no sufficient evidence is found to ascertain the role of rs886048042 variant in MODY yet.

Literature cited by the submitters: PubMed 26448950 (cited by Clinical Genomics, Uppaluri K&H Personalized Medicine Clinic); PubMed 15580558 (cited by Clinical Genomics, Uppaluri K&H Personalized Medicine Clinic); PubMed 15718250 (cited by Clinical Genomics, Uppaluri K&H Personalized Medicine Clinic); PubMed 31291970 (cited by Clinical Genomics, Uppaluri K&H Personalized Medicine Clinic).